The following is an entry in ClinVar:

ClinVar aggregate classification (germline): Uncertain significance (1 of 4 stars; one submission).

Conditions:
PLXNA1-related disorder. Also called: PLXNA1-related condition.

Allele frequency attached by ClinVar (database versions not stated): gnomAD exomes below 0.00001; gnomAD 0.00001; ExAC 0.00002.
gnomAD v4.1: 7 of 1,608,340 alleles (0.00044%); highest among the groups gnomAD compares: East Asian, 0.0022%; no homozygotes.

Submission:

PreventionGenetics, part of Exact Sciences
Classification: Uncertain significance for PLXNA1-related condition. Last evaluated: 2026-09-10. Review status: criteria provided, single submitter. Criteria: ACMG Guidelines, 2015. Collection method: clinical testing. Allele origin: germline.
Comment: The PLXNA1 c.1663C>T variant is predicted to result in the amino acid substitution p.Arg555Cys. To our knowledge, this variant has not been reported in the literature. This variant is reported in 0.0036% of alleles in individuals of European (Non-Finnish) descent in gnomAD. At this time, the clinical significance of this variant is uncertain due to the absence of conclusive functional and genetic evidence.

NM_032242.4(PLXNA1):c.1663C>T (p.Arg555Cys)

Gene: PLXNA1 (plexin A1; plus strand). Cytogenetic location: 3q21.3.
Variant type: single nucleotide variant.
Coding change: c.1663C>T on transcript NM_032242.4 (MANE Select); coding-DNA position 1663, C replaced by T.
Protein change: p.Arg555Cys; replaces arginine 555 with cysteine.
Molecular consequence: missense variant.
Genome position (GRCh38, 1-based): chr3:127,004,928, C>T. VCF-style: chr3-127004928-C-T. GRCh37 (hg19) VCF-style: chr3-126723771-C-T.
Other names: short protein forms R555C.
Identifiers: ClinVar variation 2636826 (VCV002636826.2), dbSNP rs749170676, ClinGen allele CA2593325.